The following is an entry in ClinVar:

NM_002972.4(SBF1):c.1399G>A (p.Val467Ile)

Gene: SBF1 (SET binding factor 1; minus strand). Cytogenetic location: 22q13.33.
Variant type: single nucleotide variant.
Coding change: c.1399G>A on transcript NM_002972.4 (MANE Select); coding-DNA position 1399, G replaced by A.
Protein change: p.Val467Ile; replaces valine 467 with isoleucine.
Molecular consequence: missense variant.
Genome position (GRCh38, 1-based): chr22:50,464,851, C>T on the plus strand (G>A on the coding strand, the complement: SBF1 is on the minus strand). VCF-style: chr22-50464851-C-T. GRCh37 (hg19) VCF-style: chr22-50903280-C-T.
Other names: p.Val467Ile; c.1399G>A (NM_002972.2); c.1402G>A, p.Val468Ile (NM_001365819.1); short protein forms V467I, V468I.
Identifiers: ClinVar variation 1423533 (VCV001423533.14), dbSNP rs192339446, ClinGen allele CA10317687.
Genomic context (GRCh38, chr22:50,464,851, plus strand): 5'-ACGCCCTCCCGTCCTGCTACCCTCGTACGTTCTTGTAGAGCTGCTCTGCCAGTTCCTGGA[C>T]GTGACGCAGGACACGCTGGGGGTGGTTCTCATCCGCCCGCATCCTTGCCACCTCGTGGGC-3'
Protein context (NP_002963.2, residues 457-477): ENHPQRVLRH[Val467Ile]QELAEQLYKN

ClinVar aggregate classification (germline): Uncertain significance. Review status: criteria provided, multiple submitters, no conflicts (2 of 4 stars). 8 submissions from 8 submitters: Uncertain significance (8). Last evaluated 2025-06-04.

Conditions:
Charcot-Marie-Tooth disease type 4B3. Also called: CHARCOT-MARIE-TOOTH DISEASE, DEMYELINATING, TYPE 4B3; Charcot-Marie-Tooth Neuropathy Type 4B3. Identifiers: Orphanet 363981, MedGen C3695063, MONDO:0014117, OMIM 615284.

Allele frequency attached by ClinVar (database versions not stated): gnomAD 0.00009; ExAC 0.00011; gnomAD exomes 0.00013 and 0.00014; TOPMed 0.00015; ESP Exome Variant Server 0.00016; 1000 Genomes Project 0.00020; 1000 Genomes Project 30x 0.00031.
gnomAD v4.1: 213 of 1,613,662 alleles (0.013%); highest among the groups gnomAD compares: Middle Eastern, 0.13%; 1 homozygote.

Submissions (8):

Mayo Clinic Laboratories, Mayo Clinic
Classification: Uncertain significance. Last evaluated: 2025-06-04. Review status: criteria provided, single submitter. Criteria: ACMG Guidelines, 2015. Collection method: clinical testing. Allele origin: germline. Observed: 1 variant allele.
Comment: BP4_moderate

Ambry Genetics
Classification: Uncertain significance. Last evaluated: 2025-03-27. Review status: criteria provided, single submitter. Criteria: Ambry Variant Classification Scheme 2023. Collection method: clinical testing. Allele origin: germline.

GeneDx
Classification: Uncertain significance. Last evaluated: 2025-02-18. Review status: criteria provided, single submitter. Criteria: GeneDx Variant Classification Process June 2021. Collection method: clinical testing. Allele origin: germline. Affected: yes.
Comment: In silico analysis indicates that this missense variant does not alter protein structure/function; Has not been previously published as pathogenic or benign to our knowledge

Labcorp Genetics (formerly Invitae), Labcorp
Classification: Uncertain significance. Last evaluated: 2025-01-30. Review status: criteria provided, single submitter. Criteria: Invitae Variant Classification Sherloc (09022015). Collection method: clinical testing. Allele origin: germline.
Comment: This sequence change replaces valine, which is neutral and non-polar, with isoleucine, which is neutral and non-polar, at codon 467 of the SBF1 protein (p.Val467Ile). This variant is present in population databases (rs192339446, gnomAD 0.03%). This variant has not been reported in the literature in individuals affected with SBF1-related conditions. ClinVar contains an entry for this variant (Variation ID: 1423533). Invitae Evidence Modeling of protein sequence and biophysical properties (such as structural, functional, and spatial information, amino acid conservation, physicochemical variation, residue mobility, and thermodynamic stability) indicates that this missense variant is not expected to disrupt SBF1 protein function with a negative predictive value of 80%. In summary, the available evidence is currently insufficient to determine the role of this variant in disease. Therefore, it has been classified as a Variant of Uncertain Significance.

ARUP Laboratories, Molecular Genetics and Genomics, ARUP Laboratories
Classification: Uncertain significance for Charcot-Marie-Tooth disease type 4B3. Last evaluated: 2024-12-12. Review status: criteria provided, single submitter. Criteria: ARUP Molecular Germline Variant Investigation Process 2024. Collection method: clinical testing. Allele origin: germline.
Comment: The SBF1 c.1399G>A; p.Val467Ile variant (rs192339446), to our knowledge, is not reported in the medical literature but is reported in ClinVar (Variation ID: 1423533). This variant is found in the general population with an overall allele frequency of 0.01% (35/280,552 alleles) in the Genome Aggregation Database (v2.1.1). Computational analyses predict that this variant is neutral (REVEL: 0.149). Due to limited information, the clinical significance of this variant is uncertain at this time.

Blueprint Genetics
Classification: Uncertain significance. Last evaluated: 2024-03-13. Review status: criteria provided, single submitter. Criteria: ACMG Guidelines, 2015. Collection method: clinical testing. Allele origin: germline.

Women's Health and Genetics/Laboratory Corporation of America, LabCorp
Classification: Uncertain significance. Last evaluated: 2023-10-26. Review status: criteria provided, single submitter. Criteria: LabCorp Variant Classification Summary - May 2015. Collection method: clinical testing. Allele origin: germline.
Comment: Variant summary: SBF1 c.1399G>A (p.Val467Ile) results in a conservative amino acid change in the encoded protein sequence. Four of five in-silico tools predict a benign effect of the variant on protein function. The variant allele was found at a frequency of 0.00013 in 249168 control chromosomes (gnomAD). To our knowledge, no occurrence of c.1399G>A in individuals affected with Charcot Marie Tooth Disease Type 4B3 and no experimental evidence demonstrating its impact on protein function have been reported. Four submitters have cited clinical-significance assessments for this variant to ClinVar after 2014. All submitters classified the variant as uncertain significance. Based on the evidence outlined above, the variant was classified as uncertain significance.

Institute for Clinical Genetics, University Hospital TU Dresden, University Hospital TU Dresden
Classification: Uncertain significance. Last evaluated: 2023-04-18. Review status: criteria provided, single submitter. Criteria: ACMG Guidelines, 2015. Collection method: clinical testing. Allele origin: maternal.
Comment: PM2_SUP